The following is an entry in ClinVar:

NM_012469.4(PRPF6):c.2598_2599delinsAT (p.Thr867Ser)

Gene: PRPF6 (pre-mRNA processing factor 6; plus strand). Cytogenetic location: 20q13.33.
Variant type: Indel.
Coding change: c.2598_2599delinsAT on transcript NM_012469.4 (MANE Select); coding-DNA positions 2598 to 2599, CA replaced by AT.
Protein change: p.Thr867Ser; replaces threonine 867 with serine.
Molecular consequence: missense variant.
Genome position (GRCh38, 1-based): chr20:64,031,969-64,031,970, CA replaced by AT. VCF-style: chr20-64031969-CA-AT. GRCh37 (hg19) VCF-style: chr20-62663322-CA-AT.
Other names: short protein forms T867S.
Identifiers: ClinVar variation 1955945 (VCV001955945.5), dbSNP rs2517656344, ClinGen allele CA2580098496.

ClinVar aggregate classification (germline): Uncertain significance (1 of 4 stars; one submission).

Submission:

Labcorp Genetics (formerly Invitae), Labcorp
Classification: Uncertain significance. Last evaluated: 2022-09-14. Review status: criteria provided, single submitter. Criteria: Invitae Variant Classification Sherloc (09022015). Collection method: clinical testing. Allele origin: germline.
Comment: In summary, the available evidence is currently insufficient to determine the role of this variant in disease. Therefore, it has been classified as a Variant of Uncertain Significance. Experimental studies and prediction algorithms are not available or were not evaluated, and the functional significance of this variant is currently unknown. This variant has not been reported in the literature in individuals affected with PRPF6-related conditions. Information on the frequency of this variant in the gnomAD database is not available, as this variant may be reported differently in the database. This sequence change replaces threonine, which is neutral and polar, with serine, which is neutral and polar, at codon 867 of the PRPF6 protein (p.Thr867Ser).